The following is an entry in ClinVar:

ClinVar aggregate classification (germline): Uncertain significance. Review status: criteria provided, single submitter (1 of 4 stars). 2 submissions from 2 submitters: Uncertain significance (1). 1 of the submissions does not count toward it. Last evaluated 2023-10-13.

Conditions:
Autosomal dominant Parkinson disease 8. Also called: Parkinson disease 8, susceptibility to; LRRK2-Related Parkinson Disease; Parkinson disease 8. Identifiers: Orphanet 411602, MedGen C1846862, MONDO:0011764, OMIM 607060.

Allele frequency attached by ClinVar (database versions not stated): gnomAD 0.00003; gnomAD exomes 0.00003; TOPMed 0.00002; ESP Exome Variant Server 0.00008.
gnomAD v4.1: 47 of 1,613,754 alleles (0.0029%); highest among the groups gnomAD compares: Non-Finnish European, 0.004%; no homozygotes.

Submissions (2):

Labcorp Genetics (formerly Invitae), Labcorp
Classification: Uncertain significance for Autosomal dominant Parkinson disease 8. Last evaluated: 2023-10-13. Review status: criteria provided, single submitter. Criteria: Invitae Variant Classification Sherloc (09022015). Collection method: clinical testing. Allele origin: germline.
Comment: This sequence change replaces serine, which is neutral and polar, with cysteine, which is neutral and slightly polar, at codon 1096 of the LRRK2 protein (p.Ser1096Cys). This variant is present in population databases (rs76535406, gnomAD 0.005%). This missense change has been observed in individual(s) with Parkinson disease (PMID: 16251215, 18213618, 33640967). ClinVar contains an entry for this variant (Variation ID: 39162). Advanced modeling of protein sequence and biophysical properties (such as structural, functional, and spatial information, amino acid conservation, physicochemical variation, residue mobility, and thermodynamic stability) has been performed at Invitae for this missense variant, however the output from this modeling did not meet the statistical confidence thresholds required to predict the impact of this variant on LRRK2 protein function. Experimental studies have shown that this missense change does not substantially affect LRRK2 function (PMID: 20642453, 35950872). In summary, the available evidence is currently insufficient to determine the role of this variant in disease. Therefore, it has been classified as a Variant of Uncertain Significance.

GeneReviews
No classification provided. Condition: Autosomal dominant Parkinson disease 8. Review status: no classification provided. Collection method: literature only. Allele origin: unknown. Not counted in ClinVar's aggregate classification.

Literature cited by the submitters: PubMed 16251215 (cited by Labcorp Genetics (formerly Invitae), Labcorp); PubMed 18213618 (cited by Labcorp Genetics (formerly Invitae), Labcorp); PubMed 33640967 (cited by Labcorp Genetics (formerly Invitae), Labcorp); PubMed 20642453 (cited by Labcorp Genetics (formerly Invitae), Labcorp); PubMed 35950872 (cited by Labcorp Genetics (formerly Invitae), Labcorp); PubMed 20301387 (cited by GeneReviews); NCBI Bookshelf NBK1208 (cited by GeneReviews).

NM_198578.4(LRRK2):c.3287C>G (p.Ser1096Cys)

Gene: LRRK2 (leucine rich repeat kinase 2; plus strand). Cytogenetic location: 12q12.
Variant type: single nucleotide variant.
Coding change: c.3287C>G on transcript NM_198578.4 (MANE Select); coding-DNA position 3287, C replaced by G.
Protein change: p.Ser1096Cys; replaces serine 1096 with cysteine.
Molecular consequence: missense variant.
Genome position (GRCh38, 1-based): chr12:40,298,433, C>G. VCF-style: chr12-40298433-C-G. GRCh37 (hg19) VCF-style: chr12-40692235-C-G.
Other names: short protein forms S1096C.
Identifiers: ClinVar variation 39162 (VCV000039162.8), dbSNP rs76535406, ClinGen allele CA343535.
Genomic context (GRCh38, chr12:40,298,433, plus strand): 5'-TAGATCCTACAGTGAAATGTCCAACTCTGAAACAGTTTAACCTGTCATATAACCAGCTGT[C>G]TTTTGTACCTGAGAACCTCACTGATGTGGTAGAGAAACTGGAGCAGCTCATTTTAGAAGG-3'
Protein context (NP_940980.4, residues 1086-1106): KQFNLSYNQL[Ser1096Cys]FVPENLTDVV